The following is an entry in ClinVar:

ClinVar aggregate classification (germline): Uncertain significance. Review status: criteria provided, multiple submitters, no conflicts (2 of 4 stars). 4 submissions from 4 submitters: Uncertain significance (4). Last evaluated 2025-02-15.

Conditions:
MSRB3-related disorder. Also called: MSRB3-related condition.
Inborn genetic diseases. Identifiers: MedGen C0950123, MeSH D030342.

Allele frequency attached by ClinVar (database versions not stated): gnomAD exomes below 0.00001; gnomAD 0.00001; TOPMed 0.00001.
gnomAD v4.1: 8 of 1,574,272 alleles (0.00051%); highest among the groups gnomAD compares: Admixed American, 0.0018%; no homozygotes.

Submissions (4):

PreventionGenetics, part of Exact Sciences
Classification: Uncertain significance for MSRB3-related condition. Last evaluated: 2025-02-15. Review status: criteria provided, single submitter. Criteria: ACMG Guidelines, 2015. Collection method: clinical testing. Allele origin: germline.
Comment: The MSRB3 c.19C>T variant is predicted to result in the amino acid substitution p.Leu7Phe. To our knowledge, this variant has not been reported in the literature or in a large population database (gnomAD), indicating this variant is rare. At this time, the clinical significance of this variant is uncertain due to the absence of conclusive functional and genetic evidence.

Labcorp Genetics (formerly Invitae), Labcorp
Classification: Uncertain significance. Last evaluated: 2025-01-01. Review status: criteria provided, single submitter. Criteria: Invitae Variant Classification Sherloc (09022015). Collection method: clinical testing. Allele origin: germline.
Comment: This sequence change replaces leucine, which is neutral and non-polar, with phenylalanine, which is neutral and non-polar, at codon 7 of the MSRB3 protein (p.Leu7Phe). This variant is not present in population databases (gnomAD no frequency). This variant has not been reported in the literature in individuals affected with MSRB3-related conditions. ClinVar contains an entry for this variant (Variation ID: 3212302). An algorithm developed to predict the effect of missense changes on protein structure and function (PolyPhen-2) suggests that this variant is likely to be tolerated. This variant disrupts the p.Leu7Arg amino acid residue in MSRB3. Other variant(s) that disrupt this residue have been determined to be pathogenic (PMID: 24949729). This suggests that this residue is clinically significant, and that variants that disrupt this residue are likely to be disease-causing. In summary, the available evidence is currently insufficient to determine the role of this variant in disease. Therefore, it has been classified as a Variant of Uncertain Significance.

Blueprint Genetics
Classification: Uncertain significance. Last evaluated: 2023-12-29. Review status: criteria provided, single submitter. Criteria: ACMG Guidelines, 2015. Collection method: clinical testing. Allele origin: germline.

Ambry Genetics
Classification: Uncertain significance for Inborn genetic diseases. Last evaluated: 2023-12-15. Review status: criteria provided, single submitter. Criteria: Ambry Variant Classification Scheme 2023. Collection method: clinical testing. Allele origin: germline.

Literature cited by the submitters: PubMed 24949729 (cited by Labcorp Genetics (formerly Invitae), Labcorp).

NM_001031679.3(MSRB3):c.-130C>T

Gene: MSRB3 (methionine sulfoxide reductase B3; plus strand). Cytogenetic location: 12q14.3.
Variant type: single nucleotide variant.
Coding change: c.-130C>T on transcript NM_001031679.3 (MANE Select); 130 bases upstream of the start codon, C replaced by T.
Molecular consequence: 5 prime UTR variant. On other transcripts: missense variant (1).
Genome position (GRCh38, 1-based): chr12:65,278,787, C>T. VCF-style: chr12-65278787-C-T. GRCh37 (hg19) VCF-style: chr12-65672567-C-T.
Other names: c.-294C>T (NM_001193460.2); c.19C>T, p.Leu7Phe (NM_198080.4); short protein forms L7F.
Identifiers: ClinVar variation 3212302 (VCV003212302.5), dbSNP rs1304580759, ClinGen allele CA385676971.